The following is an entry in ClinVar:

NM_020461.4(TUBGCP6):c.4185G>T (p.Gln1395His)

Gene: TUBGCP6 (tubulin gamma complex component 6; minus strand). Cytogenetic location: 22q13.33.
Variant type: single nucleotide variant.
Coding change: c.4185G>T on transcript NM_020461.4 (MANE Select); coding-DNA position 4185, G replaced by T.
Protein change: p.Gln1395His; replaces glutamine 1395 with histidine.
Molecular consequence: missense variant.
Genome position (GRCh38, 1-based): chr22:50,219,774, C>A on the plus strand (G>T on the coding strand, the complement: TUBGCP6 is on the minus strand). VCF-style: chr22-50219774-C-A. GRCh37 (hg19) VCF-style: chr22-50658203-C-A.
Other names: short protein forms Q1395H.
Identifiers: ClinVar variation 789867 (VCV000789867.37), dbSNP rs115418729, ClinGen allele CA10307630.

ClinVar aggregate classification (germline): Benign/Likely benign. Review status: criteria provided, multiple submitters, no conflicts (2 of 4 stars). 5 submissions from 5 submitters: Benign (4); Likely benign (1). Last evaluated 2025-12-14.

Allele frequency attached by ClinVar (database versions not stated): ExAC 0.00105; ESP Exome Variant Server 0.00315; gnomAD 0.00320 and 0.00350; TOPMed 0.00352; 1000 Genomes Project 0.00419; 1000 Genomes Project 30x 0.00422; gnomAD exomes 0.00029 and 0.00085.
gnomAD v4.1: 935 of 1,613,616 alleles (0.058%); highest among the groups gnomAD compares: African/African-American, 1.1%; 6 homozygotes.

Submissions (5):

Labcorp Genetics (formerly Invitae), Labcorp
Classification: Benign. Last evaluated: 2025-12-14. Review status: criteria provided, single submitter. Criteria: Invitae Variant Classification Sherloc (09022015). Collection method: clinical testing. Allele origin: germline.

Blueprint Genetics
Classification: Likely benign. Last evaluated: 2024-10-22. Review status: criteria provided, single submitter. Criteria: ACMG Guidelines, 2015. Collection method: clinical testing. Allele origin: germline.

CeGaT Center for Human Genetics Tuebingen
Classification: Benign. Last evaluated: 2023-09-01. Review status: criteria provided, single submitter. Criteria: CeGaT Center For Human Genetics Tuebingen Variant Classification Criteria Version 2. Collection method: clinical testing. Allele origin: germline. Affected: yes. Observed: 1 variant allele.
Comment: TUBGCP6: BP4, BS1, BS2

GeneDx
Classification: Benign. Last evaluated: 2021-02-26. Review status: criteria provided, single submitter. Criteria: GeneDx Variant Classification Process June 2021. Collection method: clinical testing. Allele origin: germline. Affected: yes.

Breakthrough Genomics
Classification: Benign. Review status: criteria provided, single submitter. Criteria: ACMG Guidelines, 2015. Collection method: not provided. Allele origin: germline. Inheritance: Autosomal recessive inheritance. Affected: yes.